The following is an entry in ClinVar:

NM_024529.5(CDC73):c.907+6T>A

Gene: CDC73 (cell division cycle 73; plus strand). Cytogenetic location: 1q31.2.
Variant type: single nucleotide variant.
Coding change: c.907+6T>A on transcript NM_024529.5 (MANE Select); 6 bases into the intron after coding-DNA position 907, T replaced by A.
Molecular consequence: intron variant.
Genome position (GRCh38, 1-based): chr1:193,150,388, T>A. VCF-style: chr1-193150388-T-A. GRCh37 (hg19) VCF-style: chr1-193119518-T-A.
Identifiers: ClinVar variation 1359795 (VCV001359795.6), dbSNP rs2103132269, ClinGen allele CA2573131368.

ClinVar aggregate classification (germline): Uncertain significance (1 of 4 stars; one submission).

Conditions:
Parathyroid carcinoma (PRTC). Also called: Parathyroid gland carcinoma; CDC73-Related Parathyroid Carcinoma. Identifiers: Orphanet 143, MedGen C0687150, MONDO:0012004, OMIM 608266, HP:0006780.

Submission:

Labcorp Genetics (formerly Invitae), Labcorp
Classification: Uncertain significance for Parathyroid carcinoma. Last evaluated: 2021-04-13. Review status: criteria provided, single submitter. Criteria: Invitae Variant Classification Sherloc (09022015). Collection method: clinical testing. Allele origin: germline.
Comment: In summary, the available evidence is currently insufficient to determine the role of this variant in disease. Therefore, it has been classified as a Variant of Uncertain Significance. Nucleotide substitutions within the consensus splice site are a relatively common cause of aberrant splicing (PMID: 17576681, 9536098). Algorithms developed to predict the effect of sequence changes on RNA splicing suggest that this variant is not likely to affect RNA splicing, but this prediction has not been confirmed by published transcriptional studies. This variant has not been reported in the literature in individuals with CDC73-related conditions. This variant is not present in population databases (ExAC no frequency). This sequence change falls in intron 9 of the CDC73 gene. It does not directly change the encoded amino acid sequence of the CDC73 protein. It affects a nucleotide within the consensus splice site of the intron.

Literature cited by the submitters: PubMed 17576681; PubMed 9536098.